The following is an entry in ClinVar:

NM_001164508.2(NEB):c.23060del (p.Gly7687fs)

Genes: NEB (nebulin; minus strand), RIF1 (replication timing regulatory factor 1; plus strand). Cytogenetic location: 2q23.3.
Variant type: Deletion.
Coding change: c.23060del on transcript NM_001164508.2 (MANE Select); coding-DNA position 23060, one base deleted (G; older notation c.23060delG).
Protein change: p.Gly7687fs; shifts the reading frame from glycine 7687.
Molecular consequence: frameshift variant.
Genome position (GRCh38, 1-based): chr2:151,514,385, C deleted on the plus strand (G on the coding strand, the reverse complement: NEB is on the minus strand); the first of 3 consecutive C bases (chr2:151,514,385-151,514,387); deleting any one gives the same sequence. VCF-style (leftmost placement, unchanged base first): chr2-151514384-GC-G. GRCh37 (hg19) VCF-style: chr2-152370898-GC-G.
Other names: c.23165del (NM_001271208.1); c.23060del, p.Gly7687fs (NM_001164507.2); c.23163delG, p.Gly7722Alafs (NM_001271208.1); c.23165del, p.Gly7722fs (NM_001271208.2); c.17957del, p.Gly5986fs (NM_004543.5); short protein forms G7687fs, G5986fs, G7722fs.
Identifiers: ClinVar variation 2770991 (VCV002770991.4), dbSNP rs2552079302, ClinGen allele CA2697551063.

ClinVar aggregate classification (germline): Pathogenic/Likely pathogenic. Review status: criteria provided, multiple submitters, no conflicts (2 of 4 stars). 2 submissions from 2 submitters: Pathogenic (1); Likely pathogenic (1). Last evaluated 2024-11-13.

Conditions:
Nemaline myopathy 2 (NEM2). Also called: Nemaline myopathy 2, autosomal recessive. Identifiers: MedGen C1850569, MONDO:0009725, OMIM 256030.

Submissions (2):

Natera, Inc.
Classification: Likely pathogenic for Nemaline myopathy type 2. Last evaluated: 2024-11-13. Review status: criteria provided, single submitter. Criteria: Natera Variant Classification Schema (03/2026). Collection method: clinical testing. Allele origin: germline.
Comment: The c.23165del variant in NEB is a frameshift variant predicted to shift the reading frame beginning at codon 7722 and leads to a stop codon 12 codons downstream. This variant is expected to result in nonsense mediated decay, truncation, or a dysfunctional protein product. This variant is rare in the general population with a frequency below the threshold expected for the associated phenotype(s). Given the available evidence, this variant is classified as Likely Pathogenic.

Labcorp Genetics (formerly Invitae), Labcorp
Classification: Pathogenic for Nemaline myopathy 2. Last evaluated: 2023-10-22. Review status: criteria provided, single submitter. Criteria: Invitae Variant Classification Sherloc (09022015). Collection method: clinical testing. Allele origin: germline.
Comment: This sequence change creates a premature translational stop signal (p.Gly7722Alafs*12) in the NEB gene. It is expected to result in an absent or disrupted protein product. Loss-of-function variants in NEB are known to be pathogenic (PMID: 25205138). This variant is not present in population databases (gnomAD no frequency). This variant has not been reported in the literature in individuals affected with NEB-related conditions. For these reasons, this variant has been classified as Pathogenic.

Literature cited by the submitters: PubMed 25205138 (cited by Labcorp Genetics (formerly Invitae), Labcorp).